The following is an entry in ClinVar:

ClinVar aggregate classification (germline): Uncertain significance. Review status: criteria provided, multiple submitters, no conflicts (2 of 4 stars). 5 submissions from 5 submitters: Uncertain significance (3). 2 of the submissions do not count toward it. Last evaluated 2025-02-19.

Conditions:
Bardet-Biedl syndrome 10 (BBS10). Identifiers: Orphanet 110, MedGen C1859568, MONDO:0014438, OMIM 615987.
BBS10-related disorder. Also called: BBS10-related condition.
Inborn genetic diseases. Identifiers: MedGen C0950123, MeSH D030342.
Bardet-Biedl syndrome (BBS). Identifiers: Orphanet 110, MedGen C0752166, MONDO:0015229.

Allele frequency attached by ClinVar (database versions not stated): gnomAD exomes 0.00001 and 0.00002; ExAC 0.00002; gnomAD 0.00009 and 0.00011; TOPMed 0.00014; ESP Exome Variant Server 0.00031.

Submissions (5):

Ambry Genetics
Classification: Uncertain significance for Inborn genetic diseases. Last evaluated: 2025-02-19. Review status: criteria provided, single submitter. Criteria: Ambry Variant Classification Scheme 2023. Collection method: clinical testing. Allele origin: germline.

Labcorp Genetics (formerly Invitae), Labcorp
Classification: Uncertain significance for Bardet-Biedl syndrome. Last evaluated: 2022-09-06. Review status: criteria provided, single submitter. Criteria: Invitae Variant Classification Sherloc (09022015). Collection method: clinical testing. Allele origin: germline.
Comment: This sequence change replaces arginine, which is basic and polar, with lysine, which is basic and polar, at codon 532 of the BBS10 protein (p.Arg532Lys). This variant is present in population databases (rs142297424, gnomAD 0.03%). This variant has not been reported in the literature in individuals affected with BBS10-related conditions. ClinVar contains an entry for this variant (Variation ID: 947855). Algorithms developed to predict the effect of missense changes on protein structure and function output the following: SIFT: "Tolerated"; PolyPhen-2: "Benign"; Align-GVGD: "Class C0". The lysine amino acid residue is found in multiple mammalian species, which suggests that this missense change does not adversely affect protein function. In summary, the available evidence is currently insufficient to determine the role of this variant in disease. Therefore, it has been classified as a Variant of Uncertain Significance.

New York Genome Center
Classification: Uncertain significance for Bardet-Biedl syndrome 10. Last evaluated: 2021-12-02. Review status: criteria provided, single submitter. Criteria: NYGC Assertion Criteria 2020. Collection method: clinical testing. Allele origin: germline. Observed: 1 heterozygote.

PreventionGenetics, part of Exact Sciences
Classification: Uncertain significance for BBS10-related condition. Last evaluated: 2024-08-19. Review status: no assertion criteria provided. Collection method: clinical testing. Allele origin: germline. Not counted in ClinVar's aggregate classification.
Comment: The BBS10 c.1595G>A variant is predicted to result in the amino acid substitution p.Arg532Lys. To our knowledge, this variant has not been reported in the literature. This variant is reported in 0.036% of alleles in individuals of African descent in gnomAD. At this time, the clinical significance of this variant is uncertain due to the absence of conclusive functional and genetic evidence.

Natera, Inc.
Classification: Uncertain significance for Bardet-Biedl syndrome type 10. Last evaluated: 2020-02-26. Review status: no assertion criteria provided. Collection method: clinical testing. Allele origin: germline. Not counted in ClinVar's aggregate classification.

NM_024685.4(BBS10):c.1595G>A (p.Arg532Lys)

Gene: BBS10 (Bardet-Biedl syndrome 10; minus strand). Cytogenetic location: 12q21.2.
Variant type: single nucleotide variant.
Coding change: c.1595G>A on transcript NM_024685.4 (MANE Select); coding-DNA position 1595, G replaced by A.
Protein change: p.Arg532Lys; replaces arginine 532 with lysine.
Molecular consequence: missense variant.
Genome position (GRCh38, 1-based): chr12:76,346,390, C>T on the plus strand (G>A on the coding strand, the complement: BBS10 is on the minus strand). VCF-style: chr12-76346390-C-T. GRCh37 (hg19) VCF-style: chr12-76740170-C-T.
Other names: short protein forms R532K.
Identifiers: ClinVar variation 947855 (VCV000947855.9), dbSNP rs142297424, ClinGen allele CA6694141.